The following is an entry in ClinVar:

NM_001166108.2(PALLD):c.1527T>G (p.Ala509=)

Gene: PALLD (palladin, cytoskeletal associated protein; plus strand). Cytogenetic location: 4q32.3.
Variant type: single nucleotide variant.
Coding change: c.1527T>G on transcript NM_001166108.2 (MANE Select); coding-DNA position 1527, T replaced by G.
Protein change: p.Ala509=; no amino-acid change (alanine 509 retained).
Molecular consequence: synonymous variant.
Genome position (GRCh38, 1-based): chr4:168,709,053, T>G. VCF-style: chr4-168709053-T-G. GRCh37 (hg19) VCF-style: chr4-169630204-T-G.
Other names: c.381T>G, p.Ala127= (NM_001166109.2); c.1527T>G, p.Ala509= (NM_016081.4).
Identifiers: ClinVar variation 348040 (VCV000348040.17), dbSNP rs58395080, ClinGen allele CA3135672.

ClinVar aggregate classification (germline): Benign. Review status: criteria provided, multiple submitters, no conflicts (2 of 4 stars). 7 submissions from 7 submitters: Benign (6). 1 of the submissions does not count toward it. Last evaluated 2023-07-07.

Conditions:
PALLD-related disorder. Also called: PALLD-related condition.
Pancreatic cancer, susceptibility to, 1. Identifiers: Orphanet 1333, MedGen C1847351, MONDO:0011739, OMIM 606856.

Allele frequency attached by ClinVar (database versions not stated): gnomAD exomes 0.01296 and 0.03176; ESP Exome Variant Server 0.01507; gnomAD 0.02196 and 0.02519; TOPMed 0.02790; ExAC 0.03161; 1000 Genomes Project 30x 0.07152; 1000 Genomes Project 0.07648.
gnomAD v4.1: 23,179 of 1,613,366 alleles (1.4%); highest among the groups gnomAD compares: East Asian, 28%; 1,974 homozygotes.

Submissions (7):

KCCC/NGS Laboratory, Kuwait Cancer Control Center
Classification: Benign for Pancreatic cancer, susceptibility to, 1. Last evaluated: 2023-07-07. Review status: criteria provided, single submitter. Criteria: ACMG Guidelines, 2015. Collection method: clinical testing. Allele origin: germline. Affected: yes.

Ambry Genetics
Classification: Benign. Last evaluated: 2020-07-30. Review status: criteria provided, single submitter. Criteria: Ambry Variant Classification Scheme 2023. Collection method: clinical testing. Allele origin: germline.

Illumina Laboratory Services, Illumina
Classification: Benign for Pancreatic cancer, susceptibility to, 1. Last evaluated: 2018-01-13. Review status: criteria provided, single submitter. Criteria: ICSL Variant Classification Criteria 13 December 2019. Collection method: clinical testing. Allele origin: germline.
Comment: This variant was observed in the ICSL laboratory as part of a predisposition screen in an ostensibly healthy population. It had not been previously curated by ICSL or reported in the Human Gene Mutation Database (HGMD: prior to June 1st, 2018), and was therefore a candidate for classification through an automated scoring system. Utilizing variant allele frequency, disease prevalence and penetrance estimates, and inheritance mode, an automated score was calculated to assess if this variant is too frequent to cause the disease. Based on the score and internal cut-off values, a variant classified as benign is not then subjected to further curation. The score for this variant resulted in a classification of benign for this disease.

Labcorp Genetics (formerly Invitae), Labcorp
Classification: Benign. Last evaluated: 2017-02-10. Review status: criteria provided, single submitter. Criteria: Invitae Variant Classification Sherloc (09022015). Collection method: clinical testing. Allele origin: germline.

GeneDx
Classification: Benign. Last evaluated: 2015-03-03. Review status: criteria provided, single submitter. Criteria: GeneDx Variant Classification Process June 2021. Collection method: clinical testing. Allele origin: germline. Affected: yes.

Breakthrough Genomics
Classification: Benign. Review status: criteria provided, single submitter. Criteria: ACMG Guidelines, 2015. Collection method: not provided. Allele origin: germline. Inheritance: Autosomal dominant inheritance. Affected: yes.

PreventionGenetics, part of Exact Sciences
Classification: Benign for PALLD-related condition. Last evaluated: 2022-06-02. Review status: no assertion criteria provided. Collection method: clinical testing. Allele origin: germline. Not counted in ClinVar's aggregate classification.
Comment: This variant is classified as benign based on ACMG/AMP sequence variant interpretation guidelines (Richards et al. 2015 PMID: 25741868, with internal and published modifications).